The following is an entry in ClinVar:

NM_001130009.3(GEN1):c.476T>G (p.Phe159Cys)

Gene: GEN1 (GEN1 Holliday junction 5' flap endonuclease; plus strand). Cytogenetic location: 2p24.2.
Variant type: single nucleotide variant.
Coding change: c.476T>G on transcript NM_001130009.3 (MANE Select); coding-DNA position 476, T replaced by G.
Protein change: p.Phe159Cys; replaces phenylalanine 159 with cysteine.
Molecular consequence: missense variant.
Genome position (GRCh38, 1-based): chr2:17,765,024, T>G. VCF-style: chr2-17765024-T-G. GRCh37 (hg19) VCF-style: chr2-17946291-T-G.
Other names: c.476T>G, p.Phe159Cys (NM_182625.5); short protein forms F159C.
Identifiers: ClinVar variation 3853599 (VCV003853599.1).

ClinVar aggregate classification (germline): Uncertain significance (1 of 4 stars; one submission).

Submission:

Ambry Genetics
Classification: Uncertain significance. Last evaluated: 2025-02-26. Review status: criteria provided, single submitter. Criteria: Ambry Variant Classification Scheme 2023. Collection method: clinical testing. Allele origin: germline.
Comment: The p.F159C variant (also known as c.476T>G), located in coding exon 3 of the GEN1 gene, results from a T to G substitution at nucleotide position 476. The phenylalanine at codon 159 is replaced by cysteine, an amino acid with highly dissimilar properties. This amino acid position is conserved. In addition, this alteration is predicted to be deleterious by in silico analysis. Based on the available evidence, the clinical significance of this variant remains unclear.